The following is an entry in ClinVar:

NM_001261826.3(AP3D1):c.3142G>C (p.Asp1048His)

Gene: AP3D1 (adaptor related protein complex 3 subunit delta 1; minus strand). Cytogenetic location: 19p13.3.
Variant type: single nucleotide variant.
Coding change: c.3142G>C on transcript NM_001261826.3 (MANE Select); coding-DNA position 3142, G replaced by C.
Protein change: p.Asp1048His; replaces aspartic acid 1048 with histidine.
Molecular consequence: missense variant.
Genome position (GRCh38, 1-based): chr19:2,110,740, C>G on the plus strand (G>C on the coding strand, the complement: AP3D1 is on the minus strand). VCF-style: chr19-2110740-C-G. GRCh37 (hg19) VCF-style: chr19-2110739-C-G.
Other names: c.3106G>C, p.Asp1036His (NM_001374799.1); c.2956G>C, p.Asp986His (NM_003938.8); short protein forms D986H, D1048H, D1036H.
Identifiers: ClinVar variation 1518254 (VCV001518254.6), dbSNP rs200108136, ClinGen allele CA403202216.
Genomic context (GRCh38, chr19:2,110,740, plus strand): 5'-AGAGGCCGTGAGTGGGGCAGGGCTCACCTGGGGGCAGCTGGAAAGGCACGGGGACGCCAT[C>G]GTGGACGGAGGAGCCCTGCGGCCGGGCCATCCTGGCATTGAGTGAGTCCAGCACGCTGAG-3'
Protein context (NP_001248755.1, residues 1038-1058): MARPQGSSVH[Asp1048His]GVPVPFQLPP

ClinVar aggregate classification (germline): Uncertain significance (1 of 4 stars; one submission).

Submission:

Labcorp Genetics (formerly Invitae), Labcorp
Classification: Uncertain significance. Last evaluated: 2021-10-24. Review status: criteria provided, single submitter. Criteria: Invitae Variant Classification Sherloc (09022015). Collection method: clinical testing. Allele origin: germline.
Comment: In summary, the available evidence is currently insufficient to determine the role of this variant in disease. Therefore, it has been classified as a Variant of Uncertain Significance. Algorithms developed to predict the effect of missense changes on protein structure and function are either unavailable or do not agree on the potential impact of this missense change (SIFT: "Tolerated"; PolyPhen-2: "Possibly Damaging"; Align-GVGD: "Class C0"). This variant has not been reported in the literature in individuals affected with AP3D1-related conditions. This variant is not present in population databases (ExAC no frequency). This sequence change replaces aspartic acid with histidine at codon 1048 of the AP3D1 protein (p.Asp1048His). The aspartic acid residue is moderately conserved and there is a moderate physicochemical difference between aspartic acid and histidine.